The following is an entry in ClinVar:

ClinVar aggregate classification (germline): Uncertain significance (1 of 4 stars; one submission).

Conditions:
Hereditary cancer-predisposing syndrome. Also called: Neoplastic Syndromes, Hereditary; Tumor predisposition; Hereditary neoplastic syndrome; Hereditary Cancer Syndrome. Identifiers: Orphanet 140162, MedGen C0027672, MeSH D009386, MONDO:0015356.

Submission:

Ambry Genetics
Classification: Uncertain significance for Hereditary cancer-predisposing syndrome. Last evaluated: 2026-07-07. Review status: criteria provided, single submitter. Criteria: Ambry Variant Classification Scheme 2023. Collection method: clinical testing. Allele origin: germline.
Comment: The p.N284I variant (also known as c.851A>T), located in coding exon 6 of the FH gene, results from an A to T substitution at nucleotide position 851. The asparagine at codon 284 is replaced by isoleucine, an amino acid with dissimilar properties. This amino acid position is conserved. In addition, this alteration is predicted to be deleterious by in silico analysis. Based on the available evidence, the clinical significance of this variant remains unclear.

NM_000143.4(FH):c.851A>T (p.Asn284Ile)

Gene: FH (fumarate hydratase; minus strand). Cytogenetic location: 1q43.
Variant type: single nucleotide variant.
Coding change: c.851A>T on transcript NM_000143.4 (MANE Select); coding-DNA position 851, A replaced by T.
Protein change: p.Asn284Ile; replaces asparagine 284 with isoleucine.
Molecular consequence: missense variant.
Genome position (GRCh38, 1-based): chr1:241,506,056, T>A on the plus strand (A>T on the coding strand, the complement: FH is on the minus strand). VCF-style: chr1-241506056-T-A. GRCh37 (hg19) VCF-style: chr1-241669356-T-A.
Other names: short protein forms N284I.
Identifiers: ClinVar variation 5021750 (VCV005021750.1).